The following is an entry in ClinVar:

NM_001098.3(ACO2):c.1617A>G (p.Pro539=)

Genes: ACO2 (aconitase 2; plus strand), LOC130067544 (ATAC-STARR-seq lymphoblastoid active region 19118; plus strand). Cytogenetic location: 22q13.2.
Variant type: single nucleotide variant.
Coding change: c.1617A>G on transcript NM_001098.3 (MANE Select); coding-DNA position 1617, A replaced by G.
Protein change: p.Pro539=; no amino-acid change (proline 539 retained).
Molecular consequence: synonymous variant.
Genome position (GRCh38, 1-based): chr22:41,525,204, A>G. VCF-style: chr22-41525204-A-G. GRCh37 (hg19) VCF-style: chr22-41921208-A-G.
Identifiers: ClinVar variation 729352 (VCV000729352.12), dbSNP rs554206446, ClinGen allele CA10257735.

ClinVar aggregate classification (germline): Likely benign. Review status: criteria provided, multiple submitters, no conflicts (2 of 4 stars). 3 submissions from 3 submitters: Likely benign (2). 1 of the submissions does not count toward it. Last evaluated 2025-01-27.

Conditions:
ACO2-related disorder. Also called: ACO2-Related Disorders.

Allele frequency attached by ClinVar (database versions not stated): gnomAD below 0.00001 and 0.00003; TOPMed below 0.00001; gnomAD exomes 0.00010 and 0.00021; 1000 Genomes Project 30x 0.00016; 1000 Genomes Project 0.00020; ExAC 0.00021.
gnomAD v4.1: 150 of 1,613,982 alleles (0.0093%); highest among the groups gnomAD compares: South Asian, 0.16%; no homozygotes.

Submissions (3):

Labcorp Genetics (formerly Invitae), Labcorp
Classification: Likely benign. Last evaluated: 2025-01-27. Review status: criteria provided, single submitter. Criteria: Invitae Variant Classification Sherloc (09022015). Collection method: clinical testing. Allele origin: germline.

Blueprint Genetics
Classification: Likely benign. Last evaluated: 2021-02-24. Review status: criteria provided, single submitter. Criteria: ACMG Guidelines, 2015. Collection method: clinical testing. Allele origin: germline.

PreventionGenetics, part of Exact Sciences
Classification: Likely benign for ACO2-related condition. Last evaluated: 2023-11-16. Review status: no assertion criteria provided. Collection method: clinical testing. Allele origin: germline. Not counted in ClinVar's aggregate classification.
Comment: This variant is classified as likely benign based on ACMG/AMP sequence variant interpretation guidelines (Richards et al. 2015 PMID: 25741868, with internal and published modifications).